The following is an entry in ClinVar:

ClinVar aggregate classification (germline): Likely benign. Review status: criteria provided, multiple submitters, no conflicts (2 of 4 stars). 4 submissions from 4 submitters: Likely benign (4). Last evaluated 2026-02-01.

Allele frequency attached by ClinVar (database versions not stated): ESP Exome Variant Server 0.00016; gnomAD 0.00017 and 0.00019; gnomAD exomes 0.00017 and 0.00032; TOPMed 0.00025; ExAC 0.00026; 1000 Genomes Project 30x 0.00031; 1000 Genomes Project 0.00040.
gnomAD v4.1: 284 of 1,613,536 alleles (0.018%); highest among the groups gnomAD compares: Middle Eastern, 0.07%; 1 homozygote.

Submissions (4):

CeGaT Center for Human Genetics Tuebingen
Classification: Likely benign. Last evaluated: 2026-02-01. Review status: criteria provided, single submitter. Criteria: CeGaT Center For Human Genetics Tuebingen Variant Classification Criteria Version 2. Collection method: clinical testing. Allele origin: germline. Affected: yes. Observed: 1 variant allele.
Comment: DNAH10: BP4, BP7

Blueprint Genetics
Classification: Likely benign. Last evaluated: 2024-10-07. Review status: criteria provided, single submitter. Criteria: ACMG Guidelines, 2015. Collection method: clinical testing. Allele origin: germline.

Labcorp Genetics (formerly Invitae), Labcorp
Classification: Likely benign. Last evaluated: 2018-05-02. Review status: criteria provided, single submitter. Criteria: Invitae Variant Classification Sherloc (09022015). Collection method: clinical testing. Allele origin: germline.

Breakthrough Genomics
Classification: Likely benign. Review status: criteria provided, single submitter. Criteria: ACMG Guidelines, 2015. Collection method: not provided. Allele origin: germline. Inheritance: Autosomal recessive inheritance. Affected: yes.

NM_001372106.1(DNAH10):c.13291T>C (p.Leu4431=)

Genes: DNAH10 (dynein axonemal heavy chain 10; plus strand), DNAH10OS (dynein axonemal heavy chain 10 opposite strand; minus strand). Cytogenetic location: 12q24.31.
Variant type: single nucleotide variant.
Coding change: c.13291T>C on transcript NM_001372106.1 (MANE Select); coding-DNA position 13291, T replaced by C.
Protein change: p.Leu4431=; no amino-acid change (leucine 4431 retained).
Molecular consequence: synonymous variant.
Genome position (GRCh38, 1-based): chr12:123,932,103, T>C. VCF-style: chr12-123932103-T-C. GRCh37 (hg19) VCF-style: chr12-124416650-T-C.
Other names: c.12937T>C, p.Leu4313= (NM_207437.3).
Identifiers: ClinVar variation 740996 (VCV000740996.9), dbSNP rs144503939, ClinGen allele CA6866183.